The following is an entry in ClinVar:

NM_003791.4(MBTPS1):c.1550C>G (p.Thr517Ser)

Gene: MBTPS1 (membrane bound transcription factor peptidase, site 1; minus strand). Cytogenetic location: 16q23.3.
Variant type: single nucleotide variant.
Coding change: c.1550C>G on transcript NM_003791.4 (MANE Select); coding-DNA position 1550, C replaced by G.
Protein change: p.Thr517Ser; replaces threonine 517 with serine.
Molecular consequence: missense variant.
Genome position (GRCh38, 1-based): chr16:84,074,640, G>C on the plus strand (C>G on the coding strand, the complement: MBTPS1 is on the minus strand). VCF-style: chr16-84074640-G-C. GRCh37 (hg19) VCF-style: chr16-84108245-G-C.
Other names: short protein forms T517S.
Identifiers: ClinVar variation 2576118 (VCV002576118.1), dbSNP rs2507766869, ClinGen allele CA396931128.

ClinVar aggregate classification (germline): Uncertain significance (1 of 4 stars; one submission).

Allele frequency attached by ClinVar (database versions not stated): gnomAD exomes below 0.00001.
gnomAD v4.1: 1 of 1,614,122 alleles (0.000062%); no homozygotes.

Submission:

Institute for Clinical Genetics, University Hospital TU Dresden, University Hospital TU Dresden
Classification: Uncertain significance. Last evaluated: 2023-04-17. Review status: criteria provided, single submitter. Criteria: ACMG Guidelines, 2015. Collection method: clinical testing. Allele origin: maternal.
Comment: PM2_SUP